The following is an entry in ClinVar:

ClinVar aggregate classification (germline): Uncertain significance. Review status: criteria provided, multiple submitters, no conflicts (2 of 4 stars). 2 submissions from 2 submitters: Uncertain significance (2). Last evaluated 2026-01-23.

Conditions:
Immunodeficiency 14 (IMD14A). Also called: ACTIVATED PI3K-DELTA SYNDROME 1; Activated PI3K Delta Syndrome Type 1 (APDS1); p110-DELTA-ACTIVATING MUTATION CAUSING SENESCENT T CELLS, LYMPHADENOPATHY, AND IMMUNODEFICIENCY; IMMUNODEFICIENCY 14A WITH LYMPHOPROLIFERATION, AUTOSOMAL DOMINANT. Identifiers: Orphanet 397596, Orphanet 693661, MedGen C5907821, MONDO:0014222, OMIM 615513.

Allele frequency attached by ClinVar (database versions not stated): gnomAD exomes below 0.00001; gnomAD 0.00001; TOPMed 0.00002.
gnomAD v4.1: 7 of 1,613,500 alleles (0.00043%); highest among the groups gnomAD compares: African/African-American, 0.0053%; no homozygotes.

Submissions (2):

Women's Health and Genetics/Laboratory Corporation of America, LabCorp
Classification: Uncertain significance. Last evaluated: 2026-01-23. Review status: criteria provided, single submitter. Criteria: LabCorp Variant Classification Summary - May 2015. Collection method: clinical testing. Allele origin: germline.

Labcorp Genetics (formerly Invitae), Labcorp
Classification: Uncertain significance for Activated PI3K-delta syndrome. Last evaluated: 2025-01-13. Review status: criteria provided, single submitter. Criteria: Invitae Variant Classification Sherloc (09022015). Collection method: clinical testing. Allele origin: germline.
Comment: This sequence change replaces valine, which is neutral and non-polar, with methionine, which is neutral and non-polar, at codon 102 of the PIK3CD protein (p.Val102Met). This variant is not present in population databases (gnomAD no frequency). This variant has not been reported in the literature in individuals affected with PIK3CD-related conditions. ClinVar contains an entry for this variant (Variation ID: 1487069). An algorithm developed to predict the effect of missense changes on protein structure and function (PolyPhen-2) suggests that this variant is likely to be disruptive. In summary, the available evidence is currently insufficient to determine the role of this variant in disease. Therefore, it has been classified as a Variant of Uncertain Significance.

NM_005026.5(PIK3CD):c.304G>A (p.Val102Met)

Gene: PIK3CD (phosphatidylinositol-4,5-bisphosphate 3-kinase catalytic subunit delta; plus strand). Cytogenetic location: 1p36.22.
Variant type: single nucleotide variant.
Coding change: c.304G>A on transcript NM_005026.5 (MANE Select); coding-DNA position 304, G replaced by A.
Protein change: p.Val102Met; replaces valine 102 with methionine.
Molecular consequence: missense variant.
Genome position (GRCh38, 1-based): chr1:9,715,703, G>A. VCF-style: chr1-9715703-G-A. GRCh37 (hg19) VCF-style: chr1-9775761-G-A.
Other names: c.304G>A, p.Val102Met (NM_001350234.2, NM_001350235.1); short protein forms V102M.
Identifiers: ClinVar variation 1487069 (VCV001487069.7), dbSNP rs1647296006, ClinGen allele CA338300302.